The following is an entry in ClinVar:

ClinVar aggregate classification (germline): Likely benign (1 of 4 stars; one submission).

Allele frequency attached by ClinVar (database versions not stated): ExAC 0.00001; gnomAD 0.00003.

Submission:

CeGaT Center for Human Genetics Tuebingen
Classification: Likely benign. Last evaluated: 2023-08-01. Review status: criteria provided, single submitter. Criteria: CeGaT Center For Human Genetics Tuebingen Variant Classification Criteria Version 2. Collection method: clinical testing. Allele origin: germline. Affected: yes. Observed: 1 variant allele.
Comment: MUC21: BP4, BP7

NM_001010909.5(MUC21):c.375C>T (p.Ser125=)

Gene: MUC21 (mucin 21, cell surface associated; plus strand). Cytogenetic location: 6p21.33.
Variant type: single nucleotide variant.
Coding change: c.375C>T on transcript NM_001010909.5 (MANE Select); coding-DNA position 375, C replaced by T.
Protein change: p.Ser125=; no amino-acid change (serine 125 retained).
Molecular consequence: synonymous variant. On other transcripts: non-coding transcript variant (1).
Genome position (GRCh38, 1-based): chr6:30,986,550, C>T. VCF-style: chr6-30986550-C-T. GRCh37 (hg19) VCF-style: chr6-30954327-C-T.
Other names: c.375C>T, p.Ser125= (NM_001322370.2, NM_001322371.2).
Identifiers: ClinVar variation 2656349 (VCV002656349.24), dbSNP rs149194643, ClinGen allele CA3707078.